The following is an entry in ClinVar:

ClinVar aggregate classification (germline): Uncertain significance (1 of 4 stars; one submission).

Conditions:
Familial cold autoinflammatory syndrome 3 (FCAS3). Also called: FAMILIAL ATYPICAL COLD URTICARIA; ANTIBODY DEFICIENCY AND IMMUNE DYSREGULATION, PLCG2-ASSOCIATED. Identifiers: Orphanet 300359, MedGen C3280914, MONDO:0013766, OMIM 614468.

Allele frequency attached by ClinVar (database versions not stated): TOPMed below 0.00001.

Submission:

Labcorp Genetics (formerly Invitae), Labcorp
Classification: Uncertain significance for Familial cold autoinflammatory syndrome 3. Last evaluated: 2023-11-17. Review status: criteria provided, single submitter. Criteria: Invitae Variant Classification Sherloc (09022015). Collection method: clinical testing. Allele origin: germline.
Comment: This sequence change falls in intron 5 of the PLCG2 gene. It does not directly change the encoded amino acid sequence of the PLCG2 protein. It affects a nucleotide within the consensus splice site. This variant is not present in population databases (gnomAD no frequency). This variant has not been reported in the literature in individuals affected with PLCG2-related conditions. Variants that disrupt the consensus splice site are a relatively common cause of aberrant splicing (PMID: 17576681, 9536098). Algorithms developed to predict the effect of sequence changes on RNA splicing suggest that this variant is not likely to affect RNA splicing. In summary, the available evidence is currently insufficient to determine the role of this variant in disease. Therefore, it has been classified as a Variant of Uncertain Significance.

Literature cited by the submitters: PubMed 17576681; PubMed 9536098.

NM_002661.5(PLCG2):c.480-3C>T

Gene: PLCG2 (phospholipase C gamma 2; plus strand). Cytogenetic location: 16q23.3.
Variant type: single nucleotide variant.
Coding change: c.480-3C>T on transcript NM_002661.5 (MANE Select); 3 bases into the intron before coding-DNA position 480, C replaced by T.
Molecular consequence: intron variant.
Genome position (GRCh38, 1-based): chr16:81,869,211, C>T. VCF-style: chr16-81869211-C-T. GRCh37 (hg19) VCF-style: chr16-81902816-C-T.
Identifiers: ClinVar variation 2785724 (VCV002785724.3), dbSNP rs1419607683, ClinGen allele CA724734852.